The following is an entry in ClinVar:

ClinVar aggregate classification (germline): Uncertain significance (1 of 4 stars; one submission).

Conditions:
Hereditary cancer-predisposing syndrome. Also called: Hereditary Cancer Syndrome; Hereditary neoplastic syndrome; Tumor predisposition; Neoplastic Syndromes, Hereditary. Identifiers: Orphanet 140162, MedGen C0027672, MeSH D009386, MONDO:0015356.

Submission:

Ambry Genetics
Classification: Uncertain significance for Hereditary cancer-predisposing syndrome. Last evaluated: 2024-09-15. Review status: criteria provided, single submitter. Criteria: Ambry Variant Classification Scheme 2023. Collection method: clinical testing. Allele origin: germline.
Comment: The p.W8C variant (also known as c.24G>C), located in coding exon 1 of the ALK gene, results from a G to C substitution at nucleotide position 24. The tryptophan at codon 8 is replaced by cysteine, an amino acid with highly dissimilar properties. This amino acid position is conserved. In addition, the in silico prediction for this alteration is inconclusive. Based on the available evidence, the clinical significance of this variant remains unclear.

NM_004304.5(ALK):c.24G>C (p.Trp8Cys)

Gene: ALK (ALK receptor tyrosine kinase; minus strand). Cytogenetic location: 2p23.1.
Variant type: single nucleotide variant.
Coding change: c.24G>C on transcript NM_004304.5 (MANE Select); coding-DNA position 24, G replaced by C.
Protein change: p.Trp8Cys; replaces tryptophan 8 with cysteine.
Molecular consequence: missense variant.
Genome position (GRCh38, 1-based): chr2:29,920,636, C>G on the plus strand (G>C on the coding strand, the complement: ALK is on the minus strand). VCF-style: chr2-29920636-C-G. GRCh37 (hg19) VCF-style: chr2-30143502-C-G.
Other names: short protein forms W8C.
Identifiers: ClinVar variation 3522529 (VCV003522529.1).